The following is an entry in ClinVar:

ClinVar aggregate classification (germline): Likely pathogenic (1 of 4 stars; one submission).

Conditions:
EPG5-related disorder. Also called: EPG5-related condition. Identifiers: MedGen CN381528.

Submission:

PreventionGenetics, part of Exact Sciences
Classification: Likely pathogenic for EPG5-related condition. Last evaluated: 2025-02-06. Review status: criteria provided, single submitter. Criteria: ACMG Guidelines, 2015. Collection method: clinical testing. Allele origin: germline.
Comment: The EPG5 c.966_967delAA variant is predicted to result in a frameshift and premature protein termination (p.Arg324Alafs*5). To our knowledge, this variant has not been reported in the literature or in a large population database (gnomAD), indicating this variant is rare. Frameshift variants in EPG5 are expected to be pathogenic. This variant is interpreted as likely pathogenic.

NM_020964.3(EPG5):c.966_967del (p.Arg324fs)

Gene: EPG5 (ectopic P-granules 5 autophagy tethering factor; minus strand). Cytogenetic location: 18q21.1.
Variant type: Deletion.
Coding change: c.966_967del on transcript NM_020964.3 (MANE Select); coding-DNA positions 966 to 967, 2 bases deleted (AA; older notation c.966_967delAA).
Protein change: p.Arg324fs; shifts the reading frame from arginine 324.
Molecular consequence: frameshift variant.
Genome position (GRCh38, 1-based): chr18:45,954,435-45,954,436, TT deleted on the plus strand (AA on the coding strand, the reverse complement: EPG5 is on the minus strand); deleting any 2 consecutive bases within chr18:45,954,435-45,954,438 gives the same sequence; the c. name uses the placement nearest the transcript's 3' end. VCF-style (leftmost placement, unchanged base first): chr18-45954434-CTT-C. GRCh37 (hg19) VCF-style: chr18-43534400-CTT-C.
Other names: c.966_967del, p.Arg324fs (NM_001410858.1, NM_001410859.1); short protein forms R324fs.
Identifiers: ClinVar variation 4997818 (VCV004997818.1).